The following is an entry in ClinVar:

ClinVar aggregate classification (germline): Benign/Likely benign. Review status: criteria provided, multiple submitters, no conflicts (2 of 4 stars). 2 submissions from 2 submitters: Benign (1); Likely benign (1). Last evaluated 2026-05-13.

Conditions:
Growth delay due to insulin-like growth factor I resistance. Also called: Somatomedin end-organ insensitivity to; Somatomedin-c resistance to; IGF-1 resistance; IGF-I RESISTANCE; Insulin-Like Growth Factor I Resistance. Identifiers: Orphanet 73273, MedGen C1849157, MONDO:0010038, OMIM 270450.

Allele frequency attached by ClinVar (database versions not stated): ExAC 0.00369; TOPMed 0.01329; 1000 Genomes Project 30x 0.01390; gnomAD 0.01209 and 0.01302; ESP Exome Variant Server 0.01402; gnomAD exomes 0.00284; 1000 Genomes Project 0.01218.
gnomAD v4.1: 3,478 of 1,612,560 alleles (0.22%); highest among the groups gnomAD compares: African/African-American, 4.2%; 80 homozygotes.

Submissions (2):

Women's Health and Genetics/Laboratory Corporation of America, LabCorp
Classification: Benign. Last evaluated: 2026-05-13. Review status: criteria provided, single submitter. Criteria: LabCorp Variant Classification Summary - May 2015. Collection method: clinical testing. Allele origin: germline.

Illumina Laboratory Services, Illumina
Classification: Likely benign for Growth delay due to insulin-like growth factor I resistance. Last evaluated: 2017-04-27. Review status: criteria provided, single submitter. Criteria: ICSL Variant Classification Criteria 13 December 2019. Collection method: clinical testing. Allele origin: germline.
Comment: This variant was observed as part of a predisposition screen in an ostensibly healthy population. A literature search was performed for the gene, cDNA change, and amino acid change (where applicable). No publications were found based on this search. Allele frequency data from public databases allowed determination this variant is unlikely to cause disease. Therefore, this variant is classified as likely benign.

NM_000875.5(IGF1R):c.*15A>G

Gene: IGF1R (insulin like growth factor 1 receptor; plus strand). Cytogenetic location: 15q26.3.
Variant type: single nucleotide variant.
Coding change: c.*15A>G on transcript NM_000875.5 (MANE Select); 15 bases downstream of the stop codon, A replaced by G.
Molecular consequence: 3 prime UTR variant.
Genome position (GRCh38, 1-based): chr15:98,957,457, A>G. VCF-style: chr15-98957457-A-G. GRCh37 (hg19) VCF-style: chr15-99500686-A-G.
Other names: c.*15A>G (NM_001291858.2).
Identifiers: ClinVar variation 317464 (VCV000317464.6), dbSNP rs45561434, ClinGen allele CA7752901.
Genomic context (GRCh38, chr15:98,957,457, plus strand): 5'-CAAGAACGAGCGGGCCTTGCCGCTGCCCCAGTCTTCGACCTGCTGATCCTTGGATCCTGA[A>G]TCTGTGCAAACAGTAACGTGTGCGCACGCGCAGCGGGGTGGGGGGGGAGAGAGAGTTTTA-3'